The following is an entry in ClinVar:

ClinVar aggregate classification (germline): Uncertain significance (1 of 4 stars; one submission).

Submission:

GeneDx
Classification: Uncertain significance. Last evaluated: 2025-02-13. Review status: criteria provided, single submitter. Criteria: GeneDx Variant Classification Process June 2021. Collection method: clinical testing. Allele origin: germline. Affected: yes.
Comment: Not observed at significant frequency in large population cohorts (gnomAD); In silico analysis indicates that this missense variant does not alter protein structure/function; Has not been previously published as pathogenic or benign to our knowledge

NM_001042681.2(RERE):c.58G>A (p.Asp20Asn)

Gene: RERE (arginine-glutamic acid dipeptide repeats; minus strand). Cytogenetic location: 1p36.23.
Variant type: single nucleotide variant.
Coding change: c.58G>A on transcript NM_001042681.2 (MANE Select); coding-DNA position 58, G replaced by A.
Protein change: p.Asp20Asn; replaces aspartic acid 20 with asparagine.
Molecular consequence: missense variant.
Genome position (GRCh38, 1-based): chr1:8,656,240, C>T on the plus strand (G>A on the coding strand, the complement: RERE is on the minus strand). VCF-style: chr1-8656240-C-T. GRCh37 (hg19) VCF-style: chr1-8716299-C-T.
Other names: c.58G>A, p.Asp20Asn (NM_012102.4); short protein forms D20N.
Identifiers: ClinVar variation 4075616 (VCV004075616.1).